The following is an entry in ClinVar:

NM_003730.6(RNASET2):c.601C>G (p.Leu201Val)

Gene: RNASET2 (ribonuclease T2; minus strand). Cytogenetic location: 6q27.
Variant type: single nucleotide variant.
Coding change: c.601C>G on transcript NM_003730.6 (MANE Select); coding-DNA position 601, C replaced by G.
Protein change: p.Leu201Val; replaces leucine 201 with valine.
Molecular consequence: missense variant.
Genome position (GRCh38, 1-based): chr6:166,929,758, G>C on the plus strand (C>G on the coding strand, the complement: RNASET2 is on the minus strand). VCF-style: chr6-166929758-G-C. GRCh37 (hg19) VCF-style: chr6-167343246-G-C.
Other names: short protein forms L201V.
Identifiers: ClinVar variation 1358822 (VCV001358822.6), dbSNP rs776087270, ClinGen allele CA4094837.

ClinVar aggregate classification (germline): Uncertain significance (1 of 4 stars; one submission).

Allele frequency attached by ClinVar (database versions not stated): gnomAD 0.00002; gnomAD exomes 0.00003 and 0.00004; TOPMed 0.00003; ExAC 0.00006.
gnomAD v4.1: 50 of 1,614,018 alleles (0.0031%); highest among the groups gnomAD compares: Non-Finnish European, 0.0036%; no homozygotes.

Submission:

Labcorp Genetics (formerly Invitae), Labcorp
Classification: Uncertain significance. Last evaluated: 2022-04-11. Review status: criteria provided, single submitter. Criteria: Invitae Variant Classification Sherloc (09022015). Collection method: clinical testing. Allele origin: germline.
Comment: In summary, the available evidence is currently insufficient to determine the role of this variant in disease. Therefore, it has been classified as a Variant of Uncertain Significance. Algorithms developed to predict the effect of sequence changes on RNA splicing suggest that this variant may create or strengthen a splice site. Algorithms developed to predict the effect of missense changes on protein structure and function output the following: SIFT: "Tolerated"; PolyPhen-2: "Benign"; Align-GVGD: "Class C0". The valine amino acid residue is found in multiple mammalian species, which suggests that this missense change does not adversely affect protein function. This variant has not been reported in the literature in individuals affected with RNASET2-related conditions. This variant is present in population databases (rs776087270, gnomAD 0.007%). This sequence change replaces leucine, which is neutral and non-polar, with valine, which is neutral and non-polar, at codon 201 of the RNASET2 protein (p.Leu201Val).